The following is an entry in ClinVar:

NM_004808.3(NMT2):c.554A>T (p.Asp185Val)

Gene: NMT2 (N-myristoyltransferase 2; minus strand). Cytogenetic location: 10p13.
Variant type: single nucleotide variant.
Coding change: c.554A>T on transcript NM_004808.3 (MANE Select); coding-DNA position 554, A replaced by T.
Protein change: p.Asp185Val; replaces aspartic acid 185 with valine.
Molecular consequence: missense variant.
Genome position (GRCh38, 1-based): chr10:15,133,101, T>A on the plus strand (A>T on the coding strand, the complement: NMT2 is on the minus strand). VCF-style: chr10-15133101-T-A. GRCh37 (hg19) VCF-style: chr10-15175100-T-A.
Other names: c.515A>T, p.Asp172Val (NM_001308295.2); short protein forms D172V, D185V.
Identifiers: ClinVar variation 4861092 (VCV004861092.1).

ClinVar aggregate classification (germline): Uncertain significance (1 of 4 stars; one submission).

gnomAD v4.1: 1 of 1,614,160 alleles (0.000062%); highest among the groups gnomAD compares: Non-Finnish European, 0.000085%; no homozygotes.

Submission:

Ambry Genetics
Classification: Uncertain significance. Last evaluated: 2026-04-16. Review status: criteria provided, single submitter. Criteria: Ambry Variant Classification Scheme 2023. Collection method: clinical testing. Allele origin: germline.
Comment: The c.554A>T (p.D185V) alteration is located in exon 5 (coding exon 5) of the NMT2 gene. This alteration results from a A to T substitution at nucleotide position 554, causing the aspartic acid (D) at amino acid position 185 to be replaced by a valine (V). Based on data from gnomAD, the T allele has an overall frequency of <0.001% (1/251472) total alleles studied. The highest observed frequency was 0.001% (1/113754) of European (non-Finnish) alleles. Based on insufficient or conflicting evidence, the clinical significance of this alteration remains unclear.